The following is an entry in ClinVar:

NM_001099922.3(ALG13):c.2645A>G (p.Gln882Arg)

Gene: ALG13 (ALG13 UDP-N-acetylglucosaminyltransferase subunit; plus strand). Cytogenetic location: Xq23.
Variant type: single nucleotide variant.
Coding change: c.2645A>G on transcript NM_001099922.3 (MANE Select); coding-DNA position 2645, A replaced by G.
Protein change: p.Gln882Arg; replaces glutamine 882 with arginine.
Molecular consequence: missense variant. On other transcripts: non-coding transcript variant (1).
Genome position (GRCh38, 1-based): chrX:111,736,829, A>G. VCF-style: chrX-111736829-A-G. GRCh37 (hg19) VCF-style: chrX-110980057-A-G.
Other names: c.2333A>G, p.Gln778Arg (NM_001257230.2, NM_001257234.2, NM_001257237.2); c.2411A>G, p.Gln804Arg (NM_001257231.2); c.2645A>G, p.Gln882Arg (NM_001324292.2); c.2159A>G, p.Gln720Arg (NM_001324293.1); short protein forms Q720R, Q778R, Q804R, Q882R.
Identifiers: ClinVar variation 3627189 (VCV003627189.2).

ClinVar aggregate classification (germline): Uncertain significance (1 of 4 stars; one submission).

Conditions:
Developmental and epileptic encephalopathy, 36 (DEE36). Also called: Congenital disorder of glycosylation, type Is; ALG13-CDG; Epileptic encephalopathy, early infantile, 36. Identifiers: Orphanet 324422, MedGen C4317295, MONDO:0010472, OMIM 300884.

gnomAD v4.1: 3 of 1,211,076 alleles (0.00025%); highest among the groups gnomAD compares: East Asian, 0.0059%; no homozygotes.

Submission:

Labcorp Genetics (formerly Invitae), Labcorp
Classification: Uncertain significance for Developmental and epileptic encephalopathy, 36. Last evaluated: 2024-08-31. Review status: criteria provided, single submitter. Criteria: Invitae Variant Classification Sherloc (09022015). Collection method: clinical testing. Allele origin: germline.
Comment: This sequence change replaces glutamine, which is neutral and polar, with arginine, which is basic and polar, at codon 882 of the ALG13 protein (p.Gln882Arg). This variant is present in population databases (rs763799486, gnomAD 0.02%), including at least one homozygous and/or hemizygous individual. This variant has not been reported in the literature in individuals affected with ALG13-related conditions. Invitae Evidence Modeling of protein sequence and biophysical properties (such as structural, functional, and spatial information, amino acid conservation, physicochemical variation, residue mobility, and thermodynamic stability) indicates that this missense variant is not expected to disrupt ALG13 protein function with a negative predictive value of 80%. In summary, the available evidence is currently insufficient to determine the role of this variant in disease. Therefore, it has been classified as a Variant of Uncertain Significance.